The following is an entry in ClinVar:

NM_020987.5(ANK3):c.2978G>C (p.Arg993Thr)

Gene: ANK3 (ankyrin 3; minus strand). Cytogenetic location: 10q21.2.
Variant type: single nucleotide variant.
Coding change: c.2978G>C on transcript NM_020987.5 (MANE Select); coding-DNA position 2978, G replaced by C.
Protein change: p.Arg993Thr; replaces arginine 993 with threonine.
Molecular consequence: missense variant.
Genome position (GRCh38, 1-based): chr10:60,109,025, C>G on the plus strand (G>C on the coding strand, the complement: ANK3 is on the minus strand). VCF-style: chr10-60109025-C-G. GRCh37 (hg19) VCF-style: chr10-61868783-C-G.
Other names: c.380G>C, p.Arg127Thr (NM_001149.4); c.2960G>C, p.Arg987Thr (NM_001204403.2); c.2981G>C, p.Arg994Thr (NM_001204404.2); c.2978G>C, p.Arg993Thr (NM_001320874.2); short protein forms R987T, R994T, R127T, R993T.
Identifiers: ClinVar variation 3011770 (VCV003011770.3), dbSNP rs768847505, ClinGen allele CA5512592.

ClinVar aggregate classification (germline): Uncertain significance (1 of 4 stars; one submission).

Allele frequency attached by ClinVar (database versions not stated): gnomAD exomes below 0.00001; ExAC 0.00001; gnomAD 0.00001; TOPMed 0.00001.
gnomAD v4.1: 2 of 1,613,388 alleles (0.00012%); highest among the groups gnomAD compares: African/African-American, 0.0027%; no homozygotes.

Submission:

Labcorp Genetics (formerly Invitae), Labcorp
Classification: Uncertain significance. Last evaluated: 2023-10-15. Review status: criteria provided, single submitter. Criteria: Invitae Variant Classification Sherloc (09022015). Collection method: clinical testing. Allele origin: germline.
Comment: This sequence change replaces arginine, which is basic and polar, with threonine, which is neutral and polar, at codon 993 of the ANK3 protein (p.Arg993Thr). This variant is present in population databases (rs768847505, gnomAD 0.01%). This variant has not been reported in the literature in individuals affected with ANK3-related conditions. Advanced modeling of protein sequence and biophysical properties (such as structural, functional, and spatial information, amino acid conservation, physicochemical variation, residue mobility, and thermodynamic stability) performed at Invitae indicates that this missense variant is expected to disrupt ANK3 protein function. In summary, the available evidence is currently insufficient to determine the role of this variant in disease. Therefore, it has been classified as a Variant of Uncertain Significance.